The following is an entry in ClinVar:

ClinVar aggregate classification (germline): Uncertain significance (1 of 4 stars; one submission).

Conditions:
Peroxisome biogenesis disorder, complementation group K (CGK). Identifiers: MedGen C1866257, MONDO:0800365.

Allele frequency attached by ClinVar (database versions not stated): gnomAD exomes below 0.00001.
gnomAD v4.1: 2 of 1,614,110 alleles (0.00012%); highest among the groups gnomAD compares: Non-Finnish European, 0.00017%; no homozygotes.

Submission:

Labcorp Genetics (formerly Invitae), Labcorp
Classification: Uncertain significance for Peroxisome biogenesis disorder, complementation group K. Last evaluated: 2022-08-08. Review status: criteria provided, single submitter. Criteria: Invitae Variant Classification Sherloc (09022015). Collection method: clinical testing. Allele origin: germline.
Comment: In summary, the available evidence is currently insufficient to determine the role of this variant in disease. Therefore, it has been classified as a Variant of Uncertain Significance. Algorithms developed to predict the effect of missense changes on protein structure and function output the following: SIFT: "Tolerated"; PolyPhen-2: "Benign"; Align-GVGD: "Class C0". The serine amino acid residue is found in multiple mammalian species, which suggests that this missense change does not adversely affect protein function. This variant has not been reported in the literature in individuals affected with PEX14-related conditions. This variant is not present in population databases (gnomAD no frequency). This sequence change replaces proline, which is neutral and non-polar, with serine, which is neutral and polar, at codon 77 of the PEX14 protein (p.Pro77Ser).

NM_004565.3(PEX14):c.229C>T (p.Pro77Ser)

Gene: PEX14 (peroxisomal biogenesis factor 14; plus strand). Cytogenetic location: 1p36.22.
Variant type: single nucleotide variant.
Coding change: c.229C>T on transcript NM_004565.3 (MANE Select); coding-DNA position 229, C replaced by T.
Protein change: p.Pro77Ser; replaces proline 77 with serine.
Molecular consequence: missense variant.
Genome position (GRCh38, 1-based): chr1:10,599,297, C>T. VCF-style: chr1-10599297-C-T. GRCh37 (hg19) VCF-style: chr1-10659354-C-T.
Other names: short protein forms P77S.
Identifiers: ClinVar variation 1715701 (VCV001715701.3), dbSNP rs2521666240, ClinGen allele CA338690414.
Genomic context (GRCh38, chr1:10,599,297, plus strand): 5'-GGGCTGACAGATGAAGAGATTGATATGGCCTTCCAGCAGTCGGGCACTGCTGCCGATGAG[C>T]CTTCGTCCTTGGGCCCAGCCACACAGGTGGTTCCTGTCCAGCCCCCTCACCTCATATCTC-3'
Protein context (NP_004556.1, residues 67-87): FQQSGTAADE[Pro77Ser]SSLGPATQVV